The following is an entry in ClinVar:

NM_001378778.1(MPDZ):c.796G>C (p.Gly266Arg)

Gene: MPDZ (multiple PDZ domain crumbs cell polarity complex component; minus strand). Cytogenetic location: 9p23.
Variant type: single nucleotide variant.
Coding change: c.796G>C on transcript NM_001378778.1 (MANE Select); coding-DNA position 796, G replaced by C.
Protein change: p.Gly266Arg; replaces glycine 266 with arginine.
Molecular consequence: missense variant.
Genome position (GRCh38, 1-based): chr9:13,221,452, C>G on the plus strand (G>C on the coding strand, the complement: MPDZ is on the minus strand). VCF-style: chr9-13221452-C-G. GRCh37 (hg19) VCF-style: chr9-13221451-C-G.
Other names: c.796G>C, p.Gly266Arg (NM_001261406.2, NM_001261407.2, NM_001330637.2 and 14 more transcripts); short protein forms G266R.
Identifiers: ClinVar variation 1377261 (VCV001377261.6), dbSNP rs964953629, ClinGen allele CA189323586.

ClinVar aggregate classification (germline): Uncertain significance (1 of 4 stars; one submission).

gnomAD v4.1: 2 of 1,611,358 alleles (0.00012%); highest among the groups gnomAD compares: Non-Finnish European, 0.00017%; no homozygotes.

Submission:

Labcorp Genetics (formerly Invitae), Labcorp
Classification: Uncertain significance. Last evaluated: 2024-10-25. Review status: criteria provided, single submitter. Criteria: Invitae Variant Classification Sherloc (09022015). Collection method: clinical testing. Allele origin: germline.
Comment: This sequence change replaces glycine, which is neutral and non-polar, with arginine, which is basic and polar, at codon 266 of the MPDZ protein (p.Gly266Arg). This variant is not present in population databases (gnomAD no frequency). This variant has not been reported in the literature in individuals affected with MPDZ-related conditions. ClinVar contains an entry for this variant (Variation ID: 1377261). An algorithm developed to predict the effect of missense changes on protein structure and function (PolyPhen-2) suggests that this variant is likely to be disruptive. In summary, the available evidence is currently insufficient to determine the role of this variant in disease. Therefore, it has been classified as a Variant of Uncertain Significance.